The following is an entry in ClinVar:

ClinVar aggregate classification (germline): Uncertain significance (1 of 4 stars; one submission).

Conditions:
Charcot-Marie-Tooth disease dominant intermediate C (CMTDIC). Also called: CHARCOT-MARIE-TOOTH NEUROPATHY, DOMINANT INTERMEDIATE C. Identifiers: Orphanet 100045, MedGen C1842237, MONDO:0012012, OMIM 608323.

Allele frequency attached by ClinVar (database versions not stated): gnomAD exomes below 0.00001.
gnomAD v4.1: 5 of 1,614,210 alleles (0.00031%); highest among the groups gnomAD compares: Non-Finnish European, 0.00042%; no homozygotes.

Submission:

Labcorp Genetics (formerly Invitae), Labcorp
Classification: Uncertain significance for Charcot-Marie-Tooth disease dominant intermediate C. Last evaluated: 2020-12-22. Review status: criteria provided, single submitter. Criteria: Invitae Variant Classification Sherloc (09022015). Collection method: clinical testing. Allele origin: germline.
Comment: In summary, the available evidence is currently insufficient to determine the role of this variant in disease. Therefore, it has been classified as a Variant of Uncertain Significance. Algorithms developed to predict the effect of missense changes on protein structure and function are either unavailable or do not agree on the potential impact of this missense change (SIFT: "Not Available"; PolyPhen-2: "Possibly Damaging"; Align-GVGD: "Not Available"). This variant has not been reported in the literature in individuals with YARS-related conditions. This variant is not present in population databases (ExAC no frequency). This sequence change replaces threonine with asparagine at codon 15 of the YARS protein (p.Thr15Asn). The threonine residue is highly conserved and there is a small physicochemical difference between threonine and asparagine.

NM_003680.4(YARS1):c.44C>A (p.Thr15Asn)

Genes: S100PBP (S100P binding protein; plus strand), YARS1 (tyrosyl-tRNA synthetase 1; minus strand). Cytogenetic location: 1p35.1.
Variant type: single nucleotide variant.
Coding change: c.44C>A on transcript NM_003680.4 (MANE Select); coding-DNA position 44, C replaced by A.
Protein change: p.Thr15Asn; replaces threonine 15 with asparagine.
Molecular consequence: missense variant.
Genome position (GRCh38, 1-based): chr1:32,817,201, G>T on the plus strand (C>A on the coding strand, the complement: YARS1 is on the minus strand). VCF-style: chr1-32817201-G-T. GRCh37 (hg19) VCF-style: chr1-33282802-G-T.
Other names: short protein forms T15N.
Identifiers: ClinVar variation 1681542 (VCV001681542.6), dbSNP rs1638772500, ClinGen allele CA339688969.
Genomic context (GRCh38, chr1:32,817,201, plus strand): 5'-TCGGGCTCCTAATCCCCAACGGCGCATTTCCAACCCCCAGGCCTGACCTGCAGGTTCCGG[G>T]TGATAAGGTGCAGTTTCTCTTCAGGGCTGGGAGCGTCCCCCATGGCTCCGCTACCCCTGC-3'
Protein context (NP_003671.1, residues 5-25): PSPEEKLHLI[Thr15Asn]RNLQEVLGEE